The following is an entry in ClinVar:

NM_005236.3(ERCC4):c.*3125A>G

Gene: ERCC4 (ERCC excision repair 4, endonuclease catalytic subunit; plus strand). Cytogenetic location: 16p13.12.
Variant type: single nucleotide variant.
Coding change: c.*3125A>G on transcript NM_005236.3 (MANE Select); 3125 bases downstream of the stop codon, A replaced by G.
Molecular consequence: 3 prime UTR variant.
Genome position (GRCh38, 1-based): chr16:13,951,472, A>G. VCF-style: chr16-13951472-A-G. GRCh37 (hg19) VCF-style: chr16-14045329-A-G.
Identifiers: ClinVar variation 317866 (VCV000317866.6), dbSNP rs115183774, ClinGen allele CA10646983.
Genomic context (GRCh38, chr16:13,951,472, plus strand): 5'-TAAGTTTCATTTAAATCATGGTGCCTCTTTTGATACTTTCTTAAAATTGTGCAAGAAGAA[A>G]TCATTTTTAGTAGTGGTCATAAATATTATCCTTTTGGCAGTAAGCTATTACTAATTCAGC-3'

ClinVar aggregate classification (germline): Benign. Review status: criteria provided, multiple submitters, no conflicts (2 of 4 stars). 2 submissions from 2 submitters: Benign (2). Last evaluated 2018-01-13.

Conditions:
Xeroderma pigmentosum, group F (XPF). Also called: XERODERMA PIGMENTOSUM, COMPLEMENTATION GROUP F; XERODERMA PIGMENTOSUM VI; XP, GROUP F; ERCC4-Related Xeroderma Pigmentosum; XERODERMA PIGMENTOSUM, TYPE F; Xeroderma pigmentosum, type 6. Identifiers: MedGen C0268140, MONDO:0010215, OMIM 278760.

Allele frequency attached by ClinVar (database versions not stated): gnomAD exomes 0.00411; gnomAD 0.01928 and 0.02088; 1000 Genomes Project 0.01977; TOPMed 0.02201; 1000 Genomes Project 30x 0.02217.
gnomAD v4.1: 3,173 of 208,914 alleles (1.5%); highest among the groups gnomAD compares: African/African-American, 6.4%; 111 homozygotes.

Submissions (2):

Illumina Laboratory Services, Illumina
Classification: Benign for Xeroderma pigmentosum, group F. Last evaluated: 2018-01-13. Review status: criteria provided, single submitter. Criteria: ICSL Variant Classification Criteria 13 December 2019. Collection method: clinical testing. Allele origin: germline.
Comment: This variant was observed in the ICSL laboratory as part of a predisposition screen in an ostensibly healthy population. It had not been previously curated by ICSL or reported in the Human Gene Mutation Database (HGMD: prior to June 1st, 2018), and was therefore a candidate for classification through an automated scoring system. Utilizing variant allele frequency, disease prevalence and penetrance estimates, and inheritance mode, an automated score was calculated to assess if this variant is too frequent to cause the disease. Based on the score and internal cut-off values, a variant classified as benign is not then subjected to further curation. The score for this variant resulted in a classification of benign for this disease.

Breakthrough Genomics
Classification: Benign. Review status: criteria provided, single submitter. Criteria: ACMG Guidelines, 2015. Collection method: not provided. Allele origin: germline. Inheritance: Autosomal recessive inheritance. Affected: yes.